The following is an entry in ClinVar:

ClinVar aggregate classification (germline): Uncertain significance. Review status: criteria provided, multiple submitters, no conflicts (2 of 4 stars). 8 submissions from 7 submitters: Uncertain significance (8). Last evaluated 2025-12-08.

Conditions:
Retinitis pigmentosa (RP). Identifiers: Orphanet 791, MedGen C0035334, MeSH D012174, MONDO:0019200, OMIM 268000. Inheritance: Autosomal dominant, autosomal recessive and X linked inheritance.
Oguchi disease-1. Also called: Congenital stationary night blindness Oguchi type 1. Identifiers: MedGen C4551824, MONDO:0009775, OMIM 258100.
Oguchi disease. Also called: Oguchi's disease. Identifiers: Orphanet 75382, MedGen C1306122, MONDO:0019152.
Retinitis pigmentosa 47 (RP47). Identifiers: Orphanet 791, MedGen C3151061, MONDO:0013407, OMIM 613758.

Allele frequency attached by ClinVar (database versions not stated): gnomAD 0.00007 and 0.00009; ExAC 0.00013; gnomAD exomes 0.00013 and 0.00015; TOPMed 0.00015; ESP Exome Variant Server 0.00023.
gnomAD v4.1: 235 of 1,607,754 alleles (0.015%); highest among the groups gnomAD compares: Non-Finnish European, 0.018%; no homozygotes.

Submissions (8):

Labcorp Genetics (formerly Invitae), Labcorp
Classification: Uncertain significance. Last evaluated: 2025-12-08. Review status: criteria provided, single submitter. Criteria: Invitae Variant Classification Sherloc (09022015). Collection method: clinical testing. Allele origin: germline.
Comment: This sequence change falls in intron 11 of the SAG gene. It does not directly change the encoded amino acid sequence of the SAG protein. It affects a nucleotide within the consensus splice site. This variant is present in population databases (rs374048703, gnomAD 0.02%). This variant has not been reported in the literature in individuals affected with SAG-related conditions. ClinVar contains an entry for this variant (Variation ID: 811941). Variants that disrupt the consensus splice site are a relatively common cause of aberrant splicing (PMID: 17576681, 9536098). Algorithms developed to predict the effect of sequence changes on RNA splicing suggest that this variant may disrupt the consensus splice site. In summary, the available evidence is currently insufficient to determine the role of this variant in disease. Therefore, it has been classified as a Variant of Uncertain Significance.

Blueprint Genetics
Classification: Uncertain significance. Last evaluated: 2024-10-09. Review status: criteria provided, single submitter. Criteria: ACMG Guidelines, 2015. Collection method: clinical testing. Allele origin: germline.

GeneDx
Classification: Uncertain significance. Last evaluated: 2022-11-25. Review status: criteria provided, single submitter. Criteria: GeneDx Variant Classification Process June 2021. Collection method: clinical testing. Allele origin: germline. Affected: yes.
Comment: Intronic +5 splice site variant in a gene for which loss-of-function is a known mechanism of disease, and both splice predictors and evolutionary conservation support a deleterious effect, although in the absence of functional evidence the actual effect of this sequence change is unknown.; Has not been previously published as pathogenic or benign to our knowledge

Department of Pathology and Laboratory Medicine, Sinai Health System
Classification: Uncertain significance for Oguchi disease-1. Last evaluated: 2022-02-14. Review status: criteria provided, single submitter. Criteria: ACMG Guidelines, 2015. Collection method: research. Allele origin: germline.

Centre for Mendelian Genomics, University Medical Centre Ljubljana
Classification: Uncertain significance for Retinitis pigmentosa 47. Last evaluated: 2019-08-21. Review status: criteria provided, single submitter. Criteria: ACMG Guidelines, 2015. Collection method: clinical testing. Allele origin: unknown. Affected: yes.
Comment: This variant was classified as: Uncertain significance. The available evidence on this variant's pathogenicity is insufficient or conflicting. The following ACMG criteria were applied in classifying this variant: PM2,PP3.

ARUP Laboratories, Molecular Genetics and Genomics, ARUP Laboratories
Classification: Uncertain significance. Last evaluated: 2019-04-11. Review status: criteria provided, single submitter. Criteria: ARUP Molecular Germline Variant Investigation Process. Collection method: clinical testing. Allele origin: germline.
Comment: The SAG c.944+5G>A variant (rs374048703), to our knowledge, is not reported in the medical literature or gene-specific databases. The variant is reported in the general population with an overall allele frequency of 0.01% (32/279094 alleles) in the Genome Aggregation Database. This is an intronic variant in a highly conserved nucleotide, the +5 position is critical in RNA splicing, and computational analyses (Alamut v.2.11) predict that this variant alters splicing by weakening the upstream donor. However, given the lack of clinical and functional data, the significance of the variant is uncertain at this time.

Illumina Laboratory Services, Illumina
Classification: Uncertain significance for Oguchi disease-1. Last evaluated: 2018-01-13. Review status: criteria provided, single submitter. Criteria: ICSL Variant Classification Criteria 13 December 2019. Collection method: clinical testing. Allele origin: germline.

Illumina Laboratory Services, Illumina
Classification: Uncertain significance for Retinitis pigmentosa. Last evaluated: 2018-01-13. Review status: criteria provided, single submitter. Criteria: ICSL Variant Classification Criteria 13 December 2019. Collection method: clinical testing. Allele origin: germline.

Literature cited by the submitters: PubMed 17576681 (cited by Labcorp Genetics (formerly Invitae), Labcorp); PubMed 9536098 (cited by Labcorp Genetics (formerly Invitae), Labcorp).

NM_000541.5(SAG):c.944+5G>A

Gene: SAG (S-antigen visual arrestin; plus strand). Cytogenetic location: 2q37.1.
Variant type: single nucleotide variant.
Coding change: c.944+5G>A on transcript NM_000541.5 (MANE Select); 5 bases into the intron after coding-DNA position 944, G replaced by A.
Molecular consequence: intron variant.
Genome position (GRCh38, 1-based): chr2:233,335,104, G>A. VCF-style: chr2-233335104-G-A. GRCh37 (hg19) VCF-style: chr2-234243750-G-A.
Identifiers: ClinVar variation 811941 (VCV000811941.23), dbSNP rs374048703, ClinGen allele CA2174581.